The following is an entry in ClinVar:

ClinVar aggregate classification (germline): Uncertain significance (1 of 4 stars; one submission).

Allele frequency attached by ClinVar (database versions not stated): gnomAD 0.00001; gnomAD exomes 0.00001; TOPMed 0.00001.
gnomAD v4.1: 8 of 1,613,248 alleles (0.0005%); highest among the groups gnomAD compares: African/African-American, 0.0013%; no homozygotes.

Submissions (2):

Labcorp Genetics (formerly Invitae), Labcorp
Classification: Uncertain significance. Last evaluated: 2022-09-07. Review status: criteria provided, single submitter. Criteria: Invitae Variant Classification Sherloc (09022015). Collection method: clinical testing. Allele origin: germline.
Comment: This sequence change replaces glycine, which is neutral and non-polar, with arginine, which is basic and polar, at codon 1177 of the AUTS2 protein (p.Gly1177Arg). This variant is present in population databases (no rsID available, gnomAD 0.002%). This variant has not been reported in the literature in individuals affected with AUTS2-related conditions. Algorithms developed to predict the effect of missense changes on protein structure and function (SIFT, PolyPhen-2, Align-GVGD) all suggest that this variant is likely to be disruptive. Algorithms developed to predict the effect of sequence changes on RNA splicing suggest that this variant may create or strengthen a splice site. In summary, the available evidence is currently insufficient to determine the role of this variant in disease. Therefore, it has been classified as a Variant of Uncertain Significance.

Dr. Peter K. Rogan Lab, Western University
No classification provided (evidence only). Condition: Thymoma. Review status: no classification provided. Collection method: in vitro. Allele origin: not applicable. Functional consequence: retained intron. Not counted in ClinVar's aggregate classification.

NM_015570.4(AUTS2):c.3529G>A (p.Gly1177Arg)

Gene: AUTS2 (activator of transcription and developmental regulator AUTS2; plus strand). Cytogenetic location: 7q11.22.
Variant type: single nucleotide variant.
Coding change: c.3529G>A on transcript NM_015570.4 (MANE Select); coding-DNA position 3529, G replaced by A.
Protein change: p.Gly1177Arg; replaces glycine 1177 with arginine.
Molecular consequence: missense variant.
Genome position (GRCh38, 1-based): chr7:70,790,745, G>A. VCF-style: chr7-70790745-G-A. GRCh37 (hg19) VCF-style: chr7-70255731-G-A.
Other names: c.3457G>A, p.Gly1153Arg (NM_001127231.3); short protein forms G1153R, G1177R.
Identifiers: ClinVar variation 2077212 (VCV002077212.5), dbSNP rs1272659885, ClinGen allele CA367666389.